The following is an entry in ClinVar:

NM_002317.7(LOX):c.446G>A (p.Gly149Glu)

Genes: LOX (lysyl oxidase; minus strand), SRFBP1 (serum response factor binding protein 1; plus strand). Cytogenetic location: 5q23.1.
Variant type: single nucleotide variant.
Coding change: c.446G>A on transcript NM_002317.7 (MANE Select); coding-DNA position 446, G replaced by A.
Protein change: p.Gly149Glu; replaces glycine 149 with glutamic acid.
Molecular consequence: missense variant.
Genome position (GRCh38, 1-based): chr5:122,077,540, C>T on the plus strand (G>A on the coding strand, the complement: LOX is on the minus strand). VCF-style: chr5-122077540-C-T. GRCh37 (hg19) VCF-style: chr5-121413235-C-T.
Other names: short protein forms G149E.
Identifiers: ClinVar variation 1923095 (VCV001923095.5), dbSNP rs1211587869, ClinGen allele CA360876185.
Genomic context (GRCh38, chr5:122,077,540, plus strand): 5'-TCGCCCACCATGCCGTCCACGCGGCTGGGCGGCCGCAGGTTACTGAGCGCAGGAACTTCT[C>T]CCGGCGCTGTCTGGTTCTCCGCGCGCGAGGCGCCAGCTTCGCGGGCTCTAGATGTCGAGT-3'
Protein context (NP_002308.2, residues 139-159): ASRAENQTAP[Gly149Glu]EVPALSNLRP

ClinVar aggregate classification (germline): Uncertain significance (1 of 4 stars; one submission).

gnomAD v4.1: 11 of 1,613,620 alleles (0.00068%); highest among the groups gnomAD compares: Non-Finnish European, 0.00085%; no homozygotes.

Submission:

Labcorp Genetics (formerly Invitae), Labcorp
Classification: Uncertain significance. Last evaluated: 2023-12-09. Review status: criteria provided, single submitter. Criteria: Invitae Variant Classification Sherloc (09022015). Collection method: clinical testing. Allele origin: germline.
Comment: This sequence change replaces glycine, which is neutral and non-polar, with glutamic acid, which is acidic and polar, at codon 149 of the LOX protein (p.Gly149Glu). This variant is present in population databases (no rsID available, gnomAD 0.0009%). This variant has not been reported in the literature in individuals affected with LOX-related conditions. ClinVar contains an entry for this variant (Variation ID: 1923095). Advanced modeling of protein sequence and biophysical properties (such as structural, functional, and spatial information, amino acid conservation, physicochemical variation, residue mobility, and thermodynamic stability) performed at Invitae indicates that this missense variant is not expected to disrupt LOX protein function with a negative predictive value of 80%. In summary, the available evidence is currently insufficient to determine the role of this variant in disease. Therefore, it has been classified as a Variant of Uncertain Significance.